The following is an entry in ClinVar:

ClinVar aggregate classification (germline): Uncertain significance (1 of 4 stars; one submission).

Conditions:
Renal cell carcinoma. Identifiers: Orphanet 217071, MedGen C0007134, MeSH D002292, MONDO:0005086, HP:0005584.

Submission:

Labcorp Genetics (formerly Invitae), Labcorp
Classification: Uncertain significance for Renal cell carcinoma. Last evaluated: 2025-11-23. Review status: criteria provided, single submitter. Criteria: Invitae Variant Classification Sherloc (09022015). Collection method: clinical testing. Allele origin: germline.
Comment: This sequence change replaces lysine, which is basic and polar, with threonine, which is neutral and polar, at codon 920 of the MET protein (p.Lys920Thr). This variant is not present in population databases (gnomAD no frequency). This variant has not been reported in the literature in individuals affected with MET-related conditions. Invitae Evidence Modeling of protein sequence and biophysical properties (such as structural, functional, and spatial information, amino acid conservation, physicochemical variation, residue mobility, and thermodynamic stability) indicates that this missense variant is not expected to disrupt MET protein function with a negative predictive value of 80%. In summary, the available evidence is currently insufficient to determine the role of this variant in disease. Therefore, it has been classified as a Variant of Uncertain Significance.

NM_000245.4(MET):c.2705A>C (p.Lys902Thr)

Gene: MET (MET proto-oncogene, receptor tyrosine kinase; plus strand). Cytogenetic location: 7q31.2.
Variant type: single nucleotide variant.
Coding change: c.2705A>C on transcript NM_000245.4 (MANE Select); coding-DNA position 2705, A replaced by C.
Protein change: p.Lys902Thr; replaces lysine 902 with threonine.
Molecular consequence: missense variant.
Genome position (GRCh38, 1-based): chr7:116,769,766, A>C. VCF-style: chr7-116769766-A-C. GRCh37 (hg19) VCF-style: chr7-116409820-A-C.
Other names: c.2759A>C, p.Lys920Thr (NM_001127500.3); c.2705A>C, p.Lys902Thr (NM_001324401.3); c.1415A>C, p.Lys472Thr (NM_001324402.2); short protein forms K472T, K902T, K920T.
Identifiers: ClinVar variation 4765208 (VCV004765208.1).
Genomic context (GRCh38, chr7:116,769,766, plus strand): 5'-GTGAGAATATACACTTACATTCTGAAGCCGTTTTATGCACGGTCCCCAATGACCTGCTGA[A>C]ATTGAACAGCGAGCTAAATATAGAGGTGGGATTCCTGCATTCCTCTCATGATGTAAATAA-3'
Protein context (NP_000236.2, residues 892-912): VLCTVPNDLL[Lys902Thr]LNSELNIEWK